The following is an entry in ClinVar:

NM_024312.5(GNPTAB):c.2358_2370del (p.Gln786fs)

Gene: GNPTAB (N-acetylglucosamine-1-phosphate transferase subunits alpha and beta; minus strand). Cytogenetic location: 12q23.2.
Variant type: Deletion.
Coding change: c.2358_2370del on transcript NM_024312.5 (MANE Select); coding-DNA positions 2358 to 2370, 13 bases deleted (GAGGTTGACTTTT).
Protein change: p.Gln786fs; shifts the reading frame from glutamine 786.
Molecular consequence: frameshift variant.
Genome position (GRCh38, 1-based): chr12:101,764,547-101,764,559, AAAAGTCAACCTC deleted on the plus strand (GAGGTTGACTTTT on the coding strand, the reverse complement: GNPTAB is on the minus strand). VCF-style (leftmost placement, unchanged base first): chr12-101764546-GAAAAGTCAACCTC-G. GRCh37 (hg19) VCF-style: chr12-102158324-GAAAAGTCAACCTC-G.
Other names: short protein forms Q786fs.
Identifiers: ClinVar variation 1725948 (VCV001725948.3), dbSNP rs2547956965, ClinGen allele CA2580085656.
Genomic context (GRCh38, chr12:101,764,546, plus strand): 5'-CCAAGTCCAGGGGTGGATTCTGACCCTGGTCATGACCATTCACTTTTACACTCACTGCAG[GAAAAGTCAACCTC>G]TGCAATCTTTCAGACACTCCTAAGCTGTTTGGCAAGATGCTTTTATGAACCTGTTTTTCC-3'

ClinVar aggregate classification (germline): Likely pathogenic (1 of 4 stars; one submission).

Conditions:
GNPTAB-mucolipidosis. Also called: UDP-N-acetylglucosamine-1-phosphotransferase subunit alpha/beta deficiency. Identifiers: MedGen CN322573, MONDO:0100122.

Submission:

Myriad Genetics, Inc.
Classification: Likely pathogenic for GNPTAB-mucolipidosis. Last evaluated: 2022-04-23. Review status: criteria provided, single submitter. Criteria: Myriad Autosomal Dominant, Autosomal Recessive and X-Linked Classification Criteria (2023). Collection method: clinical testing. Allele origin: unknown.
Comment: NM_024312.4(GNPTAB):c.2358_2370del13(Q786Hfs*4) is expected to be pathogenic in the context of GNPTAB-related disorders. This variant is predicted to lead to an abnormal or absent protein product due to the creation of a premature termination codon in GNPTAB, a gene where loss-of-function variants are known to be pathogenic. Please note: this variant was assessed in the context of healthy population screening.